The following is an entry in ClinVar:

NM_002485.5(NBN):c.874T>C (p.Ser292Pro)

Gene: NBN (nibrin; minus strand). Cytogenetic location: 8q21.3.
Variant type: single nucleotide variant.
Coding change: c.874T>C on transcript NM_002485.5 (MANE Select); coding-DNA position 874, T replaced by C.
Protein change: p.Ser292Pro; replaces serine 292 with proline.
Molecular consequence: missense variant.
Genome position (GRCh38, 1-based): chr8:89,970,386, A>G on the plus strand (T>C on the coding strand, the complement: NBN is on the minus strand). VCF-style: chr8-89970386-A-G. GRCh37 (hg19) VCF-style: chr8-90982614-A-G.
Other names: c.628T>C, p.Ser210Pro (NM_001024688.3); short protein forms S292P, S210P.
Identifiers: ClinVar variation 233873 (VCV000233873.15), dbSNP rs876660700, ClinGen allele CA10578787.

ClinVar aggregate classification (germline): Uncertain significance. Review status: criteria provided, multiple submitters, no conflicts (2 of 4 stars). 3 submissions from 3 submitters: Uncertain significance (3). Last evaluated 2021-11-07.

Conditions:
Hereditary cancer-predisposing syndrome. Also called: Tumor predisposition; Hereditary Cancer Syndrome; Hereditary neoplastic syndrome; Neoplastic Syndromes, Hereditary. Identifiers: Orphanet 140162, MedGen C0027672, MeSH D009386, MONDO:0015356.
Microcephaly, normal intelligence and immunodeficiency (NBS). Also called: IMMUNODEFICIENCY, MICROCEPHALY, AND CHROMOSOMAL INSTABILITY; SEEMANOVA SYNDROME II; Nijmegen breakage syndrome; Microcephaly with normal intelligence immunodeficiency and lymphoreticular malignancies; Nonsyndromal microcephaly autosomal recessive with normal intelligence; Seemanova syndrome 2. Identifiers: Orphanet 647, MedGen C0398791, MONDO:0009623, OMIM 251260.

Submissions (3):

Genome-Nilou Lab
Classification: Uncertain significance for Microcephaly, normal intelligence and immunodeficiency. Last evaluated: 2021-11-07. Review status: criteria provided, single submitter. Criteria: ACMG Guidelines, 2015. Collection method: clinical testing. Allele origin: germline. Affected: no.

Labcorp Genetics (formerly Invitae), Labcorp
Classification: Uncertain significance for Microcephaly, normal intelligence and immunodeficiency. Last evaluated: 2017-07-19. Review status: criteria provided, single submitter. Criteria: Invitae Variant Classification Sherloc (09022015). Collection method: clinical testing. Allele origin: germline.
Comment: In summary, the available evidence is currently insufficient to determine the role of this variant in disease. Therefore, it has been classified as a Variant of Uncertain Significance. Algorithms developed to predict the effect of missense changes on protein structure and function do not agree on the potential impact of this missense change (SIFT: "Tolerated"; PolyPhen-2: "Possibly Damaging"; Align-GVGD: "Class C0"). This variant has not been reported in the literature in individuals with NBN-related disease. ClinVar contains an entry for this variant (Variation ID: 233873). This variant is not present in population databases (ExAC no frequency). This sequence change replaces serine with proline at codon 292 of the NBN protein (p.Ser292Pro). The serine residue is moderately conserved and there is a moderate physicochemical difference between serine and proline.

Ambry Genetics
Classification: Uncertain significance for Hereditary cancer-predisposing syndrome. Last evaluated: 2015-09-15. Review status: criteria provided, single submitter. Criteria: Ambry Variant Classification Scheme 2023. Collection method: clinical testing. Allele origin: germline.
Comment: The p.S292P variant (also known as c.874T>C), located in coding exon 7 of the NBN gene, results from a T to C substitution at nucleotide position 874. The serine at codon 292 is replaced by proline, an amino acid with similar properties. This variant was not reported in population based cohorts in the following databases: Database of Single Nucleotide Polymorphisms (dbSNP), NHLBI Exome Sequencing Project (ESP), and 1000 Genomes Project. In the ESP, this variant was not observed in 6502 samples (13004 alleles) with coverage at this position. To date, this alteration has been detected with an allele frequency of approximately 0.002% (greater than 65000 alleles tested) in our clinical cohort. This amino acid position is well conserved in available vertebrate species. In addition, the in silico prediction for this alteration is inconclusive. Since supporting evidence is limited at this time, the clinical significance of p.S292P remains unclear.